The following is an entry in ClinVar:

NM_001163435.3(TBCK):c.591_592insA (p.Cys198fs)

Gene: TBCK (TBC1 domain containing kinase; minus strand). Cytogenetic location: 4q24.
Variant type: Insertion.
Coding change: c.591_592insA on transcript NM_001163435.3 (MANE Select); coding-DNA positions 591 to 592, A inserted.
Protein change: p.Cys198fs; shifts the reading frame from cysteine 198.
Molecular consequence: frameshift variant. On other transcripts: intron variant (1).
Genome position: GRCh38 VCF-style: chr4-106251871-A-AT. GRCh37 (hg19) VCF-style: chr4-107173028-A-AT.
Other names: c.591_592insA, p.Cys198fs (NM_001163436.4); c.75_76insA, p.Cys26fs (NM_001290768.2); c.402_403insA, p.Cys135fs (NM_033115.5); c.480+111_480+112insA (NM_001163437.3); short protein forms C135fs, C198fs, C26fs.
Identifiers: ClinVar variation 4531917 (VCV004531917.1).
Genomic context (GRCh38, chr4:106,251,871, plus strand): 5'-TATTCCAATAAATGCACAATTTCCTTTTATTATATTAATATTTCTTTATACATACCACAC[A>AT]AAGCTCAAATAAAATGATTCCAAGAGACCATACATCTGATTTGGGGCCAGAAGGCAATGG-3'

ClinVar aggregate classification (germline): Pathogenic (1 of 4 stars; one submission).

Conditions:
Hypotonia, infantile, with psychomotor retardation and characteristic facies 3 (IHPRF3). Also called: TBCK-Related Neurodevelopmental Disorder. Identifiers: Orphanet 488632, MedGen C5567480, MONDO:0014823, OMIM 616900.

Submission:

Victorian Clinical Genetics Services, Murdoch Childrens Research Institute
Classification: Pathogenic for Hypotonia, infantile, with psychomotor retardation and characteristic facies 3. Last evaluated: 2025-09-02. Review status: criteria provided, single submitter. Criteria: ACMG Guidelines, 2015. Collection method: clinical testing. Allele origin: germline. Affected: yes.
Comment: This variant is classified as Pathogenic. Evidence in support of pathogenic classification: Variant is predicted to cause nonsense-mediated decay (NMD) and loss of protein (premature termination codon is located at least 54 nucleotides upstream of the final exon-exon junction); Variant is absent from gnomAD (v2, v3 and v4); Other premature termination variant(s) comparable to the one identified in this case have very strong previous evidence for pathogenicity. Many NMD-predicted variants in this gene have been reported as likely pathogenic/pathogenic (ClinVar). Additional information: This variant is heterozygous; This gene is associated with autosomal recessive disease; This variant has no previous evidence of pathogenicity; No published evidence of segregation with disease has been identified for this variant; No published functional evidence has been identified for this variant; Loss of function is a known mechanism of disease in this gene and is associated with hypotonia, infantile, with psychomotor retardation and characteristic facies 3 (MIM#616900); Heterozygous variant detected in trans with a second PATHOGENIC heterozygous variant (NM_001163435.3(TBCK):c.2060-6793_2235+426delinsATGGTAAATATGGAGAGGCATTCTCTG) in a recessive disease.